The following is an entry in ClinVar:

NM_000090.4(COL3A1):c.3928G>A (p.Val1310Ile)

Gene: COL3A1 (collagen type III alpha 1 chain; plus strand). Cytogenetic location: 2q32.2.
Variant type: single nucleotide variant.
Coding change: c.3928G>A on transcript NM_000090.4 (MANE Select); coding-DNA position 3928, G replaced by A.
Protein change: p.Val1310Ile; replaces valine 1310 with isoleucine.
Molecular consequence: missense variant.
Genome position (GRCh38, 1-based): chr2:189,010,282, G>A. VCF-style: chr2-189010282-G-A. GRCh37 (hg19) VCF-style: chr2-189875008-G-A.
Other names: short protein forms V1310I.
Identifiers: ClinVar variation 1310228 (VCV001310228.7), dbSNP rs1688692242, ClinGen allele CA349848660.
Genomic context (GRCh38, chr2:189,010,282, plus strand): 5'-ATCAAGGTATTCTGTAATATGGAAACTGGGGAAACATGCATAAGTGCCAATCCTTTGAAT[G>A]TTCCACGGAAACACTGGTGGACAGATTCTAGTGCTGAGAAGAAACACGTTTGGTTTGGAG-3'
Protein context (NP_000081.2, residues 1300-1320): ETCISANPLN[Val1310Ile]PRKHWWTDSS

ClinVar aggregate classification (germline): Uncertain significance. Review status: criteria provided, multiple submitters, no conflicts (2 of 4 stars). 4 submissions from 4 submitters: Uncertain significance (4). Last evaluated 2025-10-24.

Conditions:
COL3A1-related disorder. Also called: COL3A1-related condition.
Ehlers-Danlos syndrome, type 4 (EDSVASC). Also called: Ehlers-Danlos syndrome vascular type; Ehlers Danlos syndrome, ecchymotic type; Ehlers Danlos syndrome, arterial type; Ehlers Danlos syndrome, Sack-Barabas type; Ehlers-Danlos Syndrome Type IV. Identifiers: Orphanet 286, MedGen C0268338, MONDO:0017314, OMIM 130050.

Allele frequency attached by ClinVar (database versions not stated): gnomAD exomes below 0.00001; TOPMed below 0.00001; gnomAD 0.00001.
gnomAD v4.1: 2 of 1,614,062 alleles (0.00012%); highest among the groups gnomAD compares: Non-Finnish European, 0.00017%; no homozygotes.

Submissions (4):

Women's Health and Genetics/Laboratory Corporation of America, LabCorp
Classification: Uncertain significance. Last evaluated: 2025-10-24. Review status: criteria provided, single submitter. Criteria: LabCorp Variant Classification Summary - May 2015. Collection method: clinical testing. Allele origin: germline.
Comment: Variant summary: COL3A1 c.3928G>A (p.Val1310Ile) results in a conservative amino acid change in the encoded protein sequence. Algorithms developed to predict the effect of missense changes on protein structure and function all suggest that this variant is likely to be tolerated. The variant was absent in 251420 control chromosomes. The available data on variant occurrences in the general population are insufficient to allow any conclusion about variant significance. To our knowledge, no occurrence of c.3928G>A in individuals affected with COL3A1-related conditions and no experimental evidence demonstrating its impact on protein function have been reported. ClinVar contains an entry for this variant (Variation ID: 1310228). Based on the evidence outlined above, the variant was classified as uncertain significance.

Labcorp Genetics (formerly Invitae), Labcorp
Classification: Uncertain significance for Ehlers-Danlos syndrome, type 4. Last evaluated: 2024-01-30. Review status: criteria provided, single submitter. Criteria: Invitae Variant Classification Sherloc (09022015). Collection method: clinical testing. Allele origin: germline.
Comment: This sequence change replaces valine, which is neutral and non-polar, with isoleucine, which is neutral and non-polar, at codon 1310 of the COL3A1 protein (p.Val1310Ile). This variant is not present in population databases (gnomAD no frequency). This variant has not been reported in the literature in individuals affected with COL3A1-related conditions. ClinVar contains an entry for this variant (Variation ID: 1310228). Advanced modeling of protein sequence and biophysical properties (such as structural, functional, and spatial information, amino acid conservation, physicochemical variation, residue mobility, and thermodynamic stability) performed at Invitae indicates that this missense variant is not expected to disrupt COL3A1 protein function with a negative predictive value of 95%. In summary, the available evidence is currently insufficient to determine the role of this variant in disease. Therefore, it has been classified as a Variant of Uncertain Significance.

PreventionGenetics, part of Exact Sciences
Classification: Uncertain significance for COL3A1-related condition. Last evaluated: 2022-10-14. Review status: criteria provided, single submitter. Criteria: ACMG Guidelines, 2015. Collection method: clinical testing. Allele origin: germline.
Comment: The COL3A1 c.3928G>A variant is predicted to result in the amino acid substitution p.Val1310Ile. To our knowledge, this variant has not been reported in the literature or in a large population database, indicating this variant is rare. At this time, the clinical significance of this variant is uncertain due to the absence of conclusive functional and genetic evidence.

GeneDx
Classification: Uncertain significance. Last evaluated: 2019-11-08. Review status: criteria provided, single submitter. Criteria: GeneDx Variant Classification Process June 2021. Collection method: clinical testing. Allele origin: germline. Affected: yes.
Comment: Has not been previously published as pathogenic or benign to our knowledge; Not observed in large population cohorts (Lek et al., 2016); In silico analysis, which includes protein predictors and evolutionary conservation, supports that this variant does not alter protein structure/function; Not located in the triple helical region, where the majority of pathogenic missense variants occur (Stenson et al., 2014)